The following is an entry in ClinVar:

NM_001854.4(COL11A1):c.1444G>T (p.Ala482Ser)

Gene: COL11A1 (collagen type XI alpha 1 chain; minus strand). Cytogenetic location: 1p21.1.
Variant type: single nucleotide variant.
Coding change: c.1444G>T on transcript NM_001854.4 (MANE Select); coding-DNA position 1444, G replaced by T.
Protein change: p.Ala482Ser; replaces alanine 482 with serine.
Molecular consequence: missense variant. On other transcripts: non-coding transcript variant (1).
Genome position (GRCh38, 1-based): chr1:103,015,712, C>A on the plus strand (G>T on the coding strand, the complement: COL11A1 is on the minus strand). VCF-style: chr1-103015712-C-A. GRCh37 (hg19) VCF-style: chr1-103481268-C-A.
Other names: c.1096G>T, p.Ala366Ser (NM_001168249.1, NM_080630.4); c.1327G>T, p.Ala443Ser (NM_001190709.2); c.1480G>T, p.Ala494Ser (NM_080629.3); short protein forms A443S, A482S, A494S, A366S.
Identifiers: ClinVar variation 2004928 (VCV002004928.4), dbSNP rs150428394, ClinGen allele CA341179537.

ClinVar aggregate classification (germline): Uncertain significance (1 of 4 stars; one submission).

gnomAD v4.1: 2 of 1,608,550 alleles (0.00012%); highest among the groups gnomAD compares: Non-Finnish European, 0.00017%; no homozygotes.

Submission:

Labcorp Genetics (formerly Invitae), Labcorp
Classification: Uncertain significance. Last evaluated: 2022-11-15. Review status: criteria provided, single submitter. Criteria: Invitae Variant Classification Sherloc (09022015). Collection method: clinical testing. Allele origin: germline.
Comment: Advanced modeling of protein sequence and biophysical properties (such as structural, functional, and spatial information, amino acid conservation, physicochemical variation, residue mobility, and thermodynamic stability) performed at Invitae indicates that this missense variant is not expected to disrupt COL11A1 protein function. This variant has not been reported in the literature in individuals affected with COL11A1-related conditions. This variant is not present in population databases (gnomAD no frequency). This sequence change replaces alanine, which is neutral and non-polar, with serine, which is neutral and polar, at codon 482 of the COL11A1 protein (p.Ala482Ser). In summary, the available evidence is currently insufficient to determine the role of this variant in disease. Therefore, it has been classified as a Variant of Uncertain Significance.